The following is an entry in ClinVar:

NM_020379.4(MAN1C1):c.777G>A (p.Glu259=)

Gene: MAN1C1 (mannosidase alpha class 1C member 1; plus strand). Cytogenetic location: 1p36.11.
Variant type: single nucleotide variant.
Coding change: c.777G>A on transcript NM_020379.4 (MANE Select); coding-DNA position 777, G replaced by A.
Protein change: p.Glu259=; no amino-acid change (glutamic acid 259 retained).
Molecular consequence: synonymous variant. On other transcripts: intron variant (1).
Genome position (GRCh38, 1-based): chr1:25,749,278, G>A. VCF-style: chr1-25749278-G-A. GRCh37 (hg19) VCF-style: chr1-26075769-G-A.
Other names: c.638-22379G>A (NM_001385184.1); c.777G>A, p.Glu259= (NM_001289010.2, NM_001385183.1); c.879G>A, p.Glu293= (NM_001385182.1); c.90G>A, p.Glu30= (NM_001385185.1).
Identifiers: ClinVar variation 2638501 (VCV002638501.24), dbSNP rs146745645, ClinGen allele CA696023.

ClinVar aggregate classification (germline): Likely benign (1 of 4 stars; one submission).

Allele frequency attached by ClinVar (database versions not stated): 1000 Genomes Project 30x 0.00078; ESP Exome Variant Server 0.00085; gnomAD 0.00090; 1000 Genomes Project 0.00100; TOPMed 0.00127.

Submission:

CeGaT Center for Human Genetics Tuebingen
Classification: Likely benign. Last evaluated: 2023-03-01. Review status: criteria provided, single submitter. Criteria: CeGaT Center For Human Genetics Tuebingen Variant Classification Criteria Version 2. Collection method: clinical testing. Allele origin: germline. Affected: yes. Observed: 1 variant allele.
Comment: MAN1C1: BP4, BP7